The following is an entry in ClinVar:

ClinVar aggregate classification (germline): Uncertain significance (1 of 4 stars; one submission).

gnomAD v4.1: 19 of 1,613,720 alleles (0.0012%); highest among the groups gnomAD compares: Admixed American, 0.032%; no homozygotes.

Submission:

Ambry Genetics
Classification: Uncertain significance. Last evaluated: 2025-10-23. Review status: criteria provided, single submitter. Criteria: Ambry Variant Classification Scheme 2023. Collection method: clinical testing. Allele origin: germline.
Comment: The c.535G>T (p.V179L) alteration is located in exon 4 (coding exon 3) of the NTMT1 gene. This alteration results from a G to T substitution at nucleotide position 535, causing the valine (V) at amino acid position 179 to be replaced by a leucine (L). Based on data from gnomAD, the T allele has an overall frequency of 0.006% (15/248774) total alleles studied. The highest observed frequency was 0.041% (14/34586) of Latino alleles. Based on insufficient or conflicting evidence, the clinical significance of this alteration remains unclear.

NM_014064.4(NTMT1):c.535G>T (p.Val179Leu)

Genes: ASB6 (ankyrin repeat and SOCS box containing 6; minus strand), NTMT1 (N-terminal Xaa-Pro-Lys N-methyltransferase 1; plus strand). Cytogenetic location: 9q34.11.
Variant type: single nucleotide variant.
Coding change: c.535G>T on transcript NM_014064.4 (MANE Select); coding-DNA position 535, G replaced by T.
Protein change: p.Val179Leu; replaces valine 179 with leucine.
Molecular consequence: missense variant. On other transcripts: 3 prime UTR variant (5), non-coding transcript variant (1).
Genome position (GRCh38, 1-based): chr9:129,635,327, G>T. VCF-style: chr9-129635327-G-T. GRCh37 (hg19) VCF-style: chr9-132397606-G-T.
Other names: c.*2463C>A (NM_001202403.2, NM_017873.4); c.*3026C>A (NM_177999.3); c.535G>T, p.Val179Leu (NM_001286796.2, NM_001286797.2, NM_001286798.2 and 1 more transcripts); c.*12G>T (NM_001286800.2, NM_001286801.2); c.271G>T, p.Val91Leu (NM_001286802.2, NM_001286803.2); short protein forms V91L, V179L.
Identifiers: ClinVar variation 4559442 (VCV004559442.1).